The following is an entry in ClinVar:

NM_001297595.2(SIN3B):c.599C>A (p.Thr200Lys)

Gene: SIN3B (SIN3 transcription regulator family member B; plus strand). Cytogenetic location: 19p13.11.
Variant type: single nucleotide variant.
Coding change: c.599C>A on transcript NM_001297595.2 (MANE Select); coding-DNA position 599, C replaced by A.
Protein change: p.Thr200Lys; replaces threonine 200 with lysine.
Molecular consequence: missense variant.
Genome position (GRCh38, 1-based): chr19:16,846,986, C>A. VCF-style: chr19-16846986-C-A. GRCh37 (hg19) VCF-style: chr19-16957797-C-A.
Other names: c.599C>A, p.Thr200Lys (NM_015260.4); short protein forms T200K.
Identifiers: ClinVar variation 2442605 (VCV002442605.2), dbSNP rs1270614718, ClinGen allele CA404636663.

ClinVar aggregate classification (germline): Uncertain significance (1 of 4 stars; one submission).

Submission:

GeneDx
Classification: Uncertain significance. Last evaluated: 2024-03-09. Review status: criteria provided, single submitter. Criteria: GeneDx Variant Classification Process June 2021. Collection method: clinical testing. Allele origin: germline. Affected: yes.
Comment: Not observed at significant frequency in large population cohorts (gnomAD); In silico analysis supports that this missense variant does not alter protein structure/function; Has not been previously published as pathogenic or benign to our knowledge